The following is an entry in ClinVar:

NM_014727.3(KMT2B):c.484C>T (p.Pro162Ser)

Gene: KMT2B (lysine methyltransferase 2B; plus strand). Cytogenetic location: 19q13.12.
Variant type: single nucleotide variant.
Coding change: c.484C>T on transcript NM_014727.3 (MANE Select); coding-DNA position 484, C replaced by T.
Protein change: p.Pro162Ser; replaces proline 162 with serine.
Molecular consequence: missense variant.
Genome position (GRCh38, 1-based): chr19:35,719,831, C>T. VCF-style: chr19-35719831-C-T. GRCh37 (hg19) VCF-style: chr19-36210733-C-T.
Other names: short protein forms P162S.
Identifiers: ClinVar variation 3006184 (VCV003006184.3), dbSNP rs1969109503, ClinGen allele CA405378583.

ClinVar aggregate classification (germline): Uncertain significance (1 of 4 stars; one submission).

Allele frequency attached by ClinVar (database versions not stated): gnomAD 0.00001.
gnomAD v4.1: 1 of 1,610,528 alleles (0.000062%); highest among the groups gnomAD compares: Admixed American, 0.0017%; no homozygotes.

Submission:

Labcorp Genetics (formerly Invitae), Labcorp
Classification: Uncertain significance. Last evaluated: 2025-05-19. Review status: criteria provided, single submitter. Criteria: Invitae Variant Classification Sherloc (09022015). Collection method: clinical testing. Allele origin: germline.
Comment: This sequence change replaces proline, which is neutral and non-polar, with serine, which is neutral and polar, at codon 162 of the KMT2B protein (p.Pro162Ser). This variant is not present in population databases (gnomAD no frequency). This variant has not been reported in the literature in individuals affected with KMT2B-related conditions. ClinVar contains an entry for this variant (Variation ID: 3006184). Invitae Evidence Modeling of protein sequence and biophysical properties (such as structural, functional, and spatial information, amino acid conservation, physicochemical variation, residue mobility, and thermodynamic stability) indicates that this missense variant is not expected to disrupt KMT2B protein function with a negative predictive value of 95%. Algorithms developed to predict the effect of sequence changes on RNA splicing suggest that this variant may create or strengthen a splice site. In summary, the available evidence is currently insufficient to determine the role of this variant in disease. Therefore, it has been classified as a Variant of Uncertain Significance.